The following is an entry in ClinVar:

NM_001164508.2(NEB):c.7905C>T (p.Pro2635=)

Gene: NEB (nebulin; minus strand). Cytogenetic location: 2q23.3.
Variant type: single nucleotide variant.
Coding change: c.7905C>T on transcript NM_001164508.2 (MANE Select); coding-DNA position 7905, C replaced by T.
Protein change: p.Pro2635=; no amino-acid change (proline 2635 retained).
Molecular consequence: synonymous variant.
Genome position (GRCh38, 1-based): chr2:151,643,869, G>A on the plus strand (C>T on the coding strand, the complement: NEB is on the minus strand). VCF-style: chr2-151643869-G-A. GRCh37 (hg19) VCF-style: chr2-152500383-G-A.
Other names: c.7905C>T, p.Pro2635= (NM_001164507.2, NM_001271208.2, NM_004543.5).
Identifiers: ClinVar variation 1127187 (VCV001127187.24), dbSNP rs768623821, ClinGen allele CA1909735.

ClinVar aggregate classification (germline): Likely benign. Review status: criteria provided, multiple submitters, no conflicts (2 of 4 stars). 3 submissions from 3 submitters: Likely benign (3). Last evaluated 2025-09-26.

Conditions:
Nemaline myopathy 2 (NEM2). Also called: Nemaline myopathy 2, autosomal recessive. Identifiers: MedGen C1850569, MONDO:0009725, OMIM 256030.

Allele frequency attached by ClinVar (database versions not stated): gnomAD exomes 0.00002 and 0.00004; ExAC 0.00005.
gnomAD v4.1: 34 of 1,613,974 alleles (0.0021%); highest among the groups gnomAD compares: Middle Eastern, 0.016%; no homozygotes.

Submissions (3):

Labcorp Genetics (formerly Invitae), Labcorp
Classification: Likely benign for Nemaline myopathy 2. Last evaluated: 2025-09-26. Review status: criteria provided, single submitter. Criteria: Invitae Variant Classification Sherloc (09022015). Collection method: clinical testing. Allele origin: germline.

CeGaT Center for Human Genetics Tuebingen
Classification: Likely benign. Last evaluated: 2024-09-01. Review status: criteria provided, single submitter. Criteria: CeGaT Center For Human Genetics Tuebingen Variant Classification Criteria Version 2. Collection method: clinical testing. Allele origin: germline. Affected: yes. Observed: 1 variant allele.
Comment: NEB: BP4, BP7

Blueprint Genetics
Classification: Likely benign. Last evaluated: 2023-09-20. Review status: criteria provided, single submitter. Criteria: ACMG Guidelines, 2015. Collection method: clinical testing. Allele origin: germline.